The following is an entry in ClinVar:

NM_004273.5(CHST3):c.386C>T (p.Ala129Val)

Gene: CHST3 (carbohydrate sulfotransferase 3; plus strand). Cytogenetic location: 10q22.1.
Variant type: single nucleotide variant.
Coding change: c.386C>T on transcript NM_004273.5 (MANE Select); coding-DNA position 386, C replaced by T.
Protein change: p.Ala129Val; replaces alanine 129 with valine.
Molecular consequence: missense variant.
Genome position (GRCh38, 1-based): chr10:72,007,417, C>T. VCF-style: chr10-72007417-C-T. GRCh37 (hg19) VCF-style: chr10-73767175-C-T.
Other names: short protein forms A129V.
Identifiers: ClinVar variation 2174789 (VCV002174789.3), dbSNP rs147535559, ClinGen allele CA5548084.

ClinVar aggregate classification (germline): Uncertain significance (1 of 4 stars; one submission).

Conditions:
Spondyloepiphyseal dysplasia with congenital joint dislocations (SEDCJD). Also called: Chondrodysplasia with Congenital Joint Dislocations, CHST3-Related. Identifiers: Orphanet 263463, MedGen C1837657, MONDO:0007738, OMIM 143095.

Allele frequency attached by ClinVar (database versions not stated): ExAC 0.00002; ESP Exome Variant Server 0.00008.
gnomAD v4.1: 10 of 1,603,092 alleles (0.00062%); highest among the groups gnomAD compares: African/African-American, 0.0067%; no homozygotes.

Submission:

Labcorp Genetics (formerly Invitae), Labcorp
Classification: Uncertain significance for Spondyloepiphyseal dysplasia with congenital joint dislocations. Last evaluated: 2022-06-23. Review status: criteria provided, single submitter. Criteria: Invitae Variant Classification Sherloc (09022015). Collection method: clinical testing. Allele origin: germline.
Comment: In summary, the available evidence is currently insufficient to determine the role of this variant in disease. Therefore, it has been classified as a Variant of Uncertain Significance. Algorithms developed to predict the effect of missense changes on protein structure and function (SIFT, PolyPhen-2, Align-GVGD) all suggest that this variant is likely to be tolerated. This variant has not been reported in the literature in individuals affected with CHST3-related conditions. This variant is present in population databases (rs147535559, gnomAD 0.02%). This sequence change replaces alanine, which is neutral and non-polar, with valine, which is neutral and non-polar, at codon 129 of the CHST3 protein (p.Ala129Val).